The following is an entry in ClinVar:

ClinVar aggregate classification (germline): Uncertain significance. Review status: criteria provided, multiple submitters, no conflicts (2 of 4 stars). 2 submissions from 2 submitters: Uncertain significance (2). Last evaluated 2025-08-09.

Conditions:
Hereditary cancer-predisposing syndrome. Also called: Neoplastic Syndromes, Hereditary; Tumor predisposition; Hereditary Cancer Syndrome; Hereditary neoplastic syndrome. Identifiers: Orphanet 140162, MedGen C0027672, MeSH D009386, MONDO:0015356.
Bloom syndrome (BLM). Also called: Bloom-Torre-Machacek syndrome. Identifiers: Orphanet 125, MedGen C0005859, MONDO:0008876, OMIM 210900.

Allele frequency attached by ClinVar (database versions not stated): gnomAD exomes below 0.00001.

Submissions (2):

Labcorp Genetics (formerly Invitae), Labcorp
Classification: Uncertain significance for Bloom syndrome. Last evaluated: 2025-08-09. Review status: criteria provided, single submitter. Criteria: Invitae Variant Classification Sherloc (09022015). Collection method: clinical testing. Allele origin: germline.
Comment: This sequence change replaces histidine, which is basic and polar, with arginine, which is basic and polar, at codon 641 of the BLM protein (p.His641Arg). This variant is not present in population databases (gnomAD no frequency). This variant has not been reported in the literature in individuals affected with BLM-related conditions. ClinVar contains an entry for this variant (Variation ID: 1782704). Invitae Evidence Modeling of protein sequence and biophysical properties (such as structural, functional, and spatial information, amino acid conservation, physicochemical variation, residue mobility, and thermodynamic stability) indicates that this missense variant is not expected to disrupt BLM protein function with a negative predictive value of 80%. In summary, the available evidence is currently insufficient to determine the role of this variant in disease. Therefore, it has been classified as a Variant of Uncertain Significance.

Ambry Genetics
Classification: Uncertain significance for Hereditary cancer-predisposing syndrome. Last evaluated: 2025-04-15. Review status: criteria provided, single submitter. Criteria: Ambry Variant Classification Scheme 2023. Collection method: clinical testing. Allele origin: germline.

NM_000057.4(BLM):c.1922A>G (p.His641Arg)

Gene: BLM (BLM RecQ like helicase; plus strand). Cytogenetic location: 15q26.1.
Variant type: single nucleotide variant.
Coding change: c.1922A>G on transcript NM_000057.4 (MANE Select); coding-DNA position 1922, A replaced by G.
Protein change: p.His641Arg; replaces histidine 641 with arginine.
Molecular consequence: missense variant.
Genome position (GRCh38, 1-based): chr15:90,763,005, A>G. VCF-style: chr15-90763005-A-G. GRCh37 (hg19) VCF-style: chr15-91306235-A-G.
Other names: c.1922A>G, p.His641Arg (NM_001287246.2, NM_001287247.2); c.797A>G, p.His266Arg (NM_001287248.2); short protein forms H266R, H641R.
Identifiers: ClinVar variation 1782704 (VCV001782704.4), dbSNP rs2151160545, ClinGen allele CA393844148.